The following is an entry in ClinVar:

NM_006904.7(PRKDC):c.8242G>A (p.Val2748Ile)

Gene: PRKDC (protein kinase, DNA-activated, catalytic subunit; minus strand). Cytogenetic location: 8q11.21.
Variant type: single nucleotide variant.
Coding change: c.8242G>A on transcript NM_006904.7 (MANE Select); coding-DNA position 8242, G replaced by A.
Protein change: p.Val2748Ile; replaces valine 2748 with isoleucine.
Molecular consequence: missense variant.
Genome position (GRCh38, 1-based): chr8:47,831,837, C>T on the plus strand (G>A on the coding strand, the complement: PRKDC is on the minus strand). VCF-style: chr8-47831837-C-T. GRCh37 (hg19) VCF-style: chr8-48744398-C-T.
Other names: c.8242G>A, p.Val2748Ile (NM_001081640.2); short protein forms V2748I.
Identifiers: ClinVar variation 2141764 (VCV002141764.2), dbSNP rs770287556, ClinGen allele CA176153529.

ClinVar aggregate classification (germline): Uncertain significance (1 of 4 stars; one submission).

Conditions:
Severe combined immunodeficiency due to DNA-PKcs deficiency. Also called: IMMUNODEFICIENCY 26 WITH NEUROLOGIC ABNORMALITIES; Immunodeficiency 26 with or without neurologic abnormalities. Identifiers: Orphanet 317425, MedGen C4014833, MONDO:0014423, OMIM 615966.

Allele frequency attached by ClinVar (database versions not stated): TOPMed below 0.00001; gnomAD 0.00001; gnomAD exomes 0.00004.
gnomAD v4.1: 63 of 1,613,886 alleles (0.0039%); highest among the groups gnomAD compares: Non-Finnish European, 0.0051%; no homozygotes.

Submission:

Labcorp Genetics (formerly Invitae), Labcorp
Classification: Uncertain significance for Severe combined immunodeficiency due to DNA-PKcs deficiency. Last evaluated: 2022-01-19. Review status: criteria provided, single submitter. Criteria: Invitae Variant Classification Sherloc (09022015). Collection method: clinical testing. Allele origin: germline.
Comment: This sequence change replaces valine, which is neutral and non-polar, with isoleucine, which is neutral and non-polar, at codon 2748 of the PRKDC protein (p.Val2748Ile). In summary, the available evidence is currently insufficient to determine the role of this variant in disease. Therefore, it has been classified as a Variant of Uncertain Significance. Experimental studies and prediction algorithms are not available or were not evaluated, and the functional significance of this variant is currently unknown. This variant has not been reported in the literature in individuals affected with PRKDC-related conditions. This variant is not present in population databases (gnomAD no frequency).